The following is an entry in ClinVar:

ClinVar aggregate classification (germline): Uncertain significance (1 of 4 stars; one submission).

Conditions:
Inborn genetic diseases. Identifiers: MedGen C0950123, MeSH D030342.

Submission:

Ambry Genetics
Classification: Uncertain significance for Inborn genetic diseases. Last evaluated: 2025-09-26. Review status: criteria provided, single submitter. Criteria: Ambry Variant Classification Scheme 2023. Collection method: clinical testing. Allele origin: germline.
Comment: The p.A279V variant (also known as c.836C>T), located in coding exon 7 of the BUB1B gene, results from a C to T substitution at nucleotide position 836. The alanine at codon 279 is replaced by valine, an amino acid with similar properties. This amino acid position is conserved. In addition, this alteration is predicted to be tolerated by in silico analysis. Based on the available evidence, the clinical significance of this variant remains unclear.

NM_001211.6(BUB1B):c.836C>T (p.Ala279Val)

Gene: BUB1B (BUB1 mitotic checkpoint serine/threonine kinase B; plus strand). Cytogenetic location: 15q15.1.
Variant type: single nucleotide variant.
Coding change: c.836C>T on transcript NM_001211.6 (MANE Select); coding-DNA position 836, C replaced by T.
Protein change: p.Ala279Val; replaces alanine 279 with valine.
Molecular consequence: missense variant.
Genome position (GRCh38, 1-based): chr15:40,185,249, C>T. VCF-style: chr15-40185249-C-T. GRCh37 (hg19) VCF-style: chr15-40477450-C-T.
Other names: short protein forms A279V.
Identifiers: ClinVar variation 4600246 (VCV004600246.1).
Genomic context (GRCh38, chr15:40,185,249, plus strand): 5'-AAAATCCATTTCCTCAACAGATGCAAAATAATAGTAGAATTACTGTTTTTGATGAAAATG[C>T]TGATGAGGCTTCTACAGCAGAGTTGTCTAAGCCTACAGTCCAGCCATGGATAGCACCCCC-3'
Protein context (NP_001202.5, residues 269-289): NSRITVFDEN[Ala279Val]DEASTAELSK